The following is an entry in ClinVar:

ClinVar aggregate classification (germline): Uncertain significance. Review status: criteria provided, multiple submitters, no conflicts (2 of 4 stars). 2 submissions from 2 submitters: Uncertain significance (2). Last evaluated 2022-02-19.

Conditions:
Hypertrophic cardiomyopathy 10. Also called: CARDIOMYOPATHY, HYPERTROPHIC, MID-LEFT VENTRICULAR CHAMBER TYPE, 2; MYL2-Related Familial Hypertrophic Cardiomyopathy. Identifiers: MedGen C1834460, MONDO:0012112, OMIM 608758.

Submissions (2):

Labcorp Genetics (formerly Invitae), Labcorp
Classification: Uncertain significance for Hypertrophic cardiomyopathy 10. Last evaluated: 2022-02-19. Review status: criteria provided, single submitter. Criteria: Invitae Variant Classification Sherloc (09022015). Collection method: clinical testing. Allele origin: germline.
Comment: ClinVar contains an entry for this variant (Variation ID: 164476). Algorithms developed to predict the effect of missense changes on protein structure and function (SIFT, PolyPhen-2, Align-GVGD) all suggest that this variant is likely to be disruptive. Algorithms developed to predict the effect of sequence changes on RNA splicing suggest that this variant may create or strengthen a splice site. In summary, the available evidence is currently insufficient to determine the role of this variant in disease. Therefore, it has been classified as a Variant of Uncertain Significance. This missense change has been observed in individual(s) with hypertrophic cardiomyopathy (PMID: 27532257). This sequence change replaces glycine, which is neutral and non-polar, with valine, which is neutral and non-polar, at codon 92 of the MYL2 protein (p.Gly92Val). This variant is not present in population databases (gnomAD no frequency).

Laboratory for Molecular Medicine, Mass General Brigham Personalized Medicine
Classification: Uncertain significance. Last evaluated: 2018-11-23. Review status: criteria provided, single submitter. Criteria: LMM Criteria. Collection method: clinical testing. Allele origin: germline. Observed: 5 variant alleles.
Comment: Variant classified as Uncertain Significance - Favor Pathogenic. It was absent from large popula tion studies. Computational prediction tools and conservation analysis suggest t hat this variant may impact the protein. In addition, this variant is located in the first base of the exon, which is part of the 3? splice region and splicing computational tools predict a splicing impact. However, predictions from computa tional tools are not predictive enough to determine pathogenicity. In summary, w hile there is some suspicion for a pathogenic role, the clinical significance of the p.Gly92Val variant is uncertain. ACMG/AMP Criteria applied: PM2, PP1, PP3.

Literature cited by the submitters: PubMed 27532257 (cited by Labcorp Genetics (formerly Invitae), Labcorp and Laboratory for Molecular Medicine, Mass General Brigham Personalized Medicine).

NM_000432.4(MYL2):c.275G>T (p.Gly92Val)

Gene: MYL2 (myosin light chain 2; minus strand). Cytogenetic location: 12q24.11.
Variant type: single nucleotide variant.
Coding change: c.275G>T on transcript NM_000432.4 (MANE Select); coding-DNA position 275, G replaced by T.
Protein change: p.Gly92Val; replaces glycine 92 with valine.
Molecular consequence: missense variant.
Genome position (GRCh38, 1-based): chr12:110,913,324, C>A on the plus strand (G>T on the coding strand, the complement: MYL2 is on the minus strand). VCF-style: chr12-110913324-C-A. GRCh37 (hg19) VCF-style: chr12-111351128-C-A.
Other names: short protein forms G92V.
Identifiers: ClinVar variation 164476 (VCV000164476.9), dbSNP rs727503297, ClinGen allele CA010026.